The following is an entry in ClinVar:

ClinVar aggregate classification (germline): Uncertain significance (1 of 4 stars; one submission).

Submission:

GeneDx
Classification: Uncertain significance. Last evaluated: 2025-02-19. Review status: criteria provided, single submitter. Criteria: GeneDx Variant Classification Process June 2021. Collection method: clinical testing. Allele origin: germline. Affected: yes.
Comment: Not observed at significant frequency in large population cohorts (gnomAD); In silico analysis supports that this missense variant has a deleterious effect on protein structure/function; Has not been previously published as pathogenic or benign to our knowledge

NM_005859.5(PURA):c.362A>G (p.Tyr121Cys)

Gene: PURA (purine rich element binding protein A; plus strand). Cytogenetic location: 5q31.3.
Variant type: single nucleotide variant.
Coding change: c.362A>G on transcript NM_005859.5 (MANE Select); coding-DNA position 362, A replaced by G.
Protein change: p.Tyr121Cys; replaces tyrosine 121 with cysteine.
Molecular consequence: missense variant.
Genome position (GRCh38, 1-based): chr5:140,114,543, A>G. VCF-style: chr5-140114543-A-G. GRCh37 (hg19) VCF-style: chr5-139494128-A-G.
Other names: short protein forms Y121C.
Identifiers: ClinVar variation 4076731 (VCV004076731.1).